The following is an entry in ClinVar:

ClinVar aggregate classification (germline): Pathogenic (1 of 4 stars; one submission).

Conditions:
DYRK1A-related intellectual disability syndrome (MRD7). Also called: DYRK1A Syndrome; Intellectual developmental disorder, autosomal dominant 7. Identifiers: Orphanet 464306, MedGen C5568143, MONDO:0013578, OMIM 614104.

Submission:

Labcorp Genetics (formerly Invitae), Labcorp
Classification: Pathogenic for DYRK1A-related intellectual disability syndrome. Last evaluated: 2024-09-01. Review status: criteria provided, single submitter. Criteria: Invitae Variant Classification Sherloc (09022015). Collection method: clinical testing. Allele origin: germline.
Comment: This sequence change creates a premature translational stop signal (p.Met76Ilefs*12) in the DYRK1A gene. It is expected to result in an absent or disrupted protein product. Loss-of-function variants in DYRK1A are known to be pathogenic (PMID: 25944381). This variant is not present in population databases (gnomAD no frequency). This premature translational stop signal has been observed in individual(s) with neurodevelopmental disorder (PMID: 33004838). Algorithms developed to predict the effect of sequence changes on RNA splicing suggest that this variant may disrupt the consensus splice site. For these reasons, this variant has been classified as Pathogenic.

Literature cited by the submitters: PubMed 25944381; PubMed 33004838.

NM_001347721.2(DYRK1A):c.208-8dup

Gene: DYRK1A (dual specificity tyrosine phosphorylation regulated kinase 1A; plus strand). Cytogenetic location: 21q22.13.
Variant type: Duplication.
Coding change: c.208-8dup on transcript NM_001347721.2 (MANE Select); 8 bases into the intron before coding-DNA position 208, one base duplicated (T; older notation c.208-8dupT).
Molecular consequence: intron variant. On other transcripts: frameshift variant (3).
Genome position (GRCh38, 1-based): chr21:37,478,200, T duplicated. VCF-style (leftmost placement, unchanged base first): chr21-37478199-A-AT. GRCh37 (hg19) VCF-style: chr21-38850501-A-AT.
Other names: c.227dup, p.Met76fs (NM_001396.5, NM_101395.2, NM_130438.2); c.208-8dup (NM_001347722.2, NM_130436.2); c.121-8dup (NM_001347723.2); short protein forms M76fs.
Identifiers: ClinVar variation 3677187 (VCV003677187.2).